The following is an entry in ClinVar:

ClinVar aggregate classification (germline): Uncertain significance (0 of 4 stars; one submission).

Submission:

ISCA site 1
Classification: Uncertain significance. Last evaluated: 2018-02-16. Review status: no assertion criteria provided. Collection method: clinical testing. Allele origin: paternal. Affected: yes. Observed: 1 variant allele.
Comment: Only includes noncoding exons.

Copy number variation identified through the course of routine clinical cytogenomic testing in postnatal populations, with clinical assertions as classified by the original submitter. For data from the original published study, Kaminsky, et al. 2011 (PubMed 21844811), please see nstd101.

GRCh38/hg38 16q24.3(chr16:89395175-89481685)x1

Genes: ANKRD11 (ankyrin repeat domain containing 11; minus strand), LOC101927817 (uncharacterized LOC101927817; plus strand), LOC128462377 (uncharacterized LOC128462377; minus strand), LOC130059807 (ATAC-STARR-seq lymphoblastoid active region 11409; plus strand), LOC130059808 (ATAC-STARR-seq lymphoblastoid active region 11410; plus strand) and 2 more. Cytogenetic location: 16q24.3.
Variant type: copy number loss.
Change: copy number 1 (one copy instead of two) of chr16:89,395,175-89,481,685 (86.5 kb, GRCh38 coordinates, 1-based), cytogenetic band 16q24.3.
Identifiers: ClinVar variation 148209 (VCV000148209.3).